The following is an entry in ClinVar:

NM_033380.3(COL4A5):c.3844G>A (p.Gly1282Arg)

Gene: COL4A5 (collagen type IV alpha 5 chain; plus strand). Cytogenetic location: Xq22.3.
Variant type: single nucleotide variant.
Coding change: c.3844G>A on transcript NM_033380.3 (MANE Select); coding-DNA position 3844, G replaced by A.
Protein change: p.Gly1282Arg; replaces glycine 1282 with arginine.
Molecular consequence: missense variant.
Genome position (GRCh38, 1-based): chrX:108,677,535, G>A. VCF-style: chrX-108677535-G-A. GRCh37 (hg19) VCF-style: chrX-107920765-G-A.
Other names: c.3826G>A, p.Gly1276Arg (NM_000495.5); c.3826G>A (NM_000495.4); short protein forms G1276R, G1282R.
Identifiers: ClinVar variation 2093247 (VCV002093247.6), dbSNP rs2068329229, ClinGen allele CA413850265.

ClinVar aggregate classification (germline): Likely pathogenic. Review status: criteria provided, multiple submitters, no conflicts (2 of 4 stars). 3 submissions from 3 submitters: Likely pathogenic (3). Last evaluated 2025-09-10.

Conditions:
X-linked Alport syndrome (ATS1). Also called: NEPHROPATHY AND DEAFNESS, X-LINKED; COL4A5-Related Nephropathy. Identifiers: Orphanet 63, Orphanet 88917, MedGen C4746986, MONDO:0010520, OMIM 301050.

Allele frequency attached by ClinVar (database versions not stated): TOPMed below 0.00001.

Submissions (3):

Natera, Inc.
Classification: Likely pathogenic for X-linked Alport syndrome. Last evaluated: 2025-09-10. Review status: criteria provided, single submitter. Criteria: Natera Variant Classification Schema (03/2026). Collection method: clinical testing. Allele origin: germline.
Comment: The c.3826G>A variant in COL4A5 is a missense variant predicted to cause substitution of glycine to arginine at amino acid 1276. This variant is rare in the general population with a frequency below the threshold expected for the associated phenotype(s). This variant is located in a functionally critical region of the protein. Computational prediction algorithms indicate this variant is likely to affect gene or protein function. Given the available evidence, this variant is classified as Likely Pathogenic.

Fulgent Genetics
Classification: Likely pathogenic for X-linked Alport syndrome. Last evaluated: 2024-03-22. Review status: criteria provided, single submitter. Criteria: ACMG Guidelines, 2015. Collection method: clinical testing. Allele origin: germline.

Labcorp Genetics (formerly Invitae), Labcorp
Classification: Likely pathogenic. Last evaluated: 2022-02-04. Review status: criteria provided, single submitter. Criteria: Invitae Variant Classification Sherloc (09022015). Collection method: clinical testing. Allele origin: germline.
Comment: This sequence change replaces glycine, which is neutral and non-polar, with arginine, which is basic and polar, at codon 1276 of the COL4A5 protein (p.Gly1276Arg). This variant is not present in population databases (gnomAD no frequency). This variant has not been reported in the literature in individuals affected with COL4A5-related conditions. Advanced modeling of protein sequence and biophysical properties (such as structural, functional, and spatial information, amino acid conservation, physicochemical variation, residue mobility, and thermodynamic stability) performed at Invitae indicates that this missense variant is expected to disrupt COL4A5 protein function. Algorithms developed to predict the effect of sequence changes on RNA splicing suggest that this variant may create or strengthen a splice site. This variant disrupts the triple helix domain of COL4A5. Glycine residues within the Gly-Xaa-Yaa repeats of the triple helix domain are required for the structure and stability of fibrillar collagens (PMID: 7695699, 8218237, 19344236). In COL4A5, missense variants at these glycine residues are significantly enriched in individuals with disease (PMID: 23720012, 27627812) compared to the general population (ExAC). In summary, the currently available evidence indicates that the variant is pathogenic, but additional data are needed to prove that conclusively. Therefore, this variant has been classified as Likely Pathogenic.

Literature cited by the submitters: PubMed 7695699 (cited by Labcorp Genetics (formerly Invitae), Labcorp); PubMed 8218237 (cited by Labcorp Genetics (formerly Invitae), Labcorp); PubMed 19344236 (cited by Labcorp Genetics (formerly Invitae), Labcorp); PubMed 23720012 (cited by Labcorp Genetics (formerly Invitae), Labcorp); PubMed 27627812 (cited by Labcorp Genetics (formerly Invitae), Labcorp).